The following is an entry in ClinVar:

NM_001330288.2(SMARCC2):c.231+1G>T

Gene: SMARCC2 (SWI/SNF related BAF chromatin remodeling complex subunit C2; minus strand). Cytogenetic location: 12q13.2.
Variant type: single nucleotide variant.
Coding change: c.231+1G>T on transcript NM_001330288.2 (MANE Select); the canonical splice donor site of the intron after coding-DNA position 231, G replaced by T.
Molecular consequence: splice donor variant.
Genome position (GRCh38, 1-based): chr12:56,187,186, C>A on the plus strand (G>T on the coding strand, the complement: SMARCC2 is on the minus strand). VCF-style: chr12-56187186-C-A. GRCh37 (hg19) VCF-style: chr12-56580970-C-A.
Other names: c.231+1G>T (NM_003075.5, NM_139067.4, NM_001130420.3).
Identifiers: ClinVar variation 4879432 (VCV004879432.1).

ClinVar aggregate classification (germline): Likely pathogenic (1 of 4 stars; one submission).

Conditions:
Coffin-Siris syndrome 1 (CSS1). Also called: ARID1B-Related Coffin-Siris Syndrome; Mental retardation, autosomal dominant 12. Identifiers: Orphanet 1465, MedGen C3281201, MONDO:0007617, OMIM 135900. Disease mechanism: gain of function.

Submission:

Institute of Human Genetics, University of Leipzig Medical Center
Classification: Likely pathogenic for Coffin-Siris syndrome 1. Last evaluated: 2026-07-06. Review status: criteria provided, single submitter. Criteria: ACMG Guidelines, 2015. Collection method: clinical testing. Allele origin: unknown. Inheritance: Autosomal dominant inheritance. Affected: yes.
Comment: Criteria applied: PVS1_STR,PM2